The following is an entry in ClinVar:

NM_002880.4(RAF1):c.782C>T (p.Pro261Leu)

Gene: RAF1 (Raf-1 proto-oncogene, serine/threonine kinase; minus strand). Cytogenetic location: 3p25.2.
Variant type: single nucleotide variant.
Coding change: c.782C>T on transcript NM_002880.4 (MANE Select); coding-DNA position 782, C replaced by T.
Protein change: p.Pro261Leu; replaces proline 261 with leucine.
Molecular consequence: missense variant. On other transcripts: non-coding transcript variant (3).
Genome position (GRCh38, 1-based): chr3:12,604,188, G>A on the plus strand (C>T on the coding strand, the complement: RAF1 is on the minus strand). VCF-style: chr3-12604188-G-A. GRCh37 (hg19) VCF-style: chr3-12645687-G-A.
Other names: c.782C>T, p.Pro261Leu (NM_001354689.3, NM_001354690.3); c.539C>T, p.Pro180Leu (NM_001354691.3, NM_001354692.3, NM_001354694.3); c.683C>T, p.Pro228Leu (NM_001354693.3); c.440C>T, p.Pro147Leu (NM_001354695.3); short protein forms P261L, P180L, P228L, P147L.
Identifiers: ClinVar variation 120246 (VCV000120246.18), dbSNP rs397516828, ClinGen allele CA267618.

ClinVar aggregate classification (germline): Pathogenic/Likely pathogenic. Review status: criteria provided, multiple submitters, no conflicts (2 of 4 stars). 6 submissions from 6 submitters: Pathogenic (4); Likely pathogenic (1). 1 of the submissions does not count toward it. Last evaluated 2025-10-23.

Conditions:
Cardiovascular phenotype. Identifiers: MedGen CN230736.
LEOPARD syndrome 2 (LPRD2). Also called: RAF1-Related LEOPARD Syndrome. Identifiers: Orphanet 500, MedGen C1969056, MONDO:0012691, OMIM 611554.
Noonan syndrome 5 (NS5). Also called: RAF1-Related Noonan Syndrome. Identifiers: Orphanet 648, MedGen C1969057, MONDO:0012690, OMIM 611553. Disease mechanism: gain of function.
Dilated cardiomyopathy 1NN. Identifiers: Orphanet 154, MedGen C4014656, MONDO:0014396, OMIM 615916.
RASopathy. Also called: rasopathies; Noonan spectrum disorder. Identifiers: Orphanet 536391, MedGen C5555857, MONDO:0021060.
Noonan syndrome (NS). Also called: Noonan's syndrome. Identifiers: Orphanet 648, MedGen C0028326, MeSH D009634, MONDO:0018997. Disease mechanism: gain of function.

Submissions (6):

GeneDx
Classification: Pathogenic. Last evaluated: 2025-10-23. Review status: criteria provided, single submitter. Criteria: GeneDx Variant Classification Process June 2021. Collection method: clinical testing. Allele origin: germline. Affected: yes.
Comment: Published functional studies demonstrate a damaging effect of significantly increased kinase activity when compared to wild type (PMID: 20679480); Missense variants in this gene are a common cause of disease and they are underrepresented in the general population; In silico analysis supports that this missense variant has a deleterious effect on protein structure/function; Not observed at significant frequency in large population cohorts (gnomAD); This variant is associated with the following publications: (PMID: 24803665, 26214590, 24957944, 9689060, 15520807, 17603483, 17603482, 29493581, 19020799, 29907801, 32368696, 31941532, 20052757, 28991257, 39596663, 37787490, 30050098, 34714385, 36357925, 34758253, 20679480, 39472908)

Labcorp Genetics (formerly Invitae), Labcorp
Classification: Pathogenic for RASopathy. Last evaluated: 2025-07-08. Review status: criteria provided, single submitter. Criteria: Invitae Variant Classification Sherloc (09022015). Collection method: clinical testing. Allele origin: germline.
Comment: This sequence change replaces proline, which is neutral and non-polar, with leucine, which is neutral and non-polar, at codon 261 of the RAF1 protein (p.Pro261Leu). This variant is not present in population databases (gnomAD no frequency). This missense change has been observed in individual(s) with Noonan syndrome (PMID: 17603483). In at least one individual the variant was observed to be de novo. ClinVar contains an entry for this variant (Variation ID: 120246). Invitae Evidence Modeling incorporating data from in vitro experimental studies (internal data) indicates that this missense variant is expected to disrupt RAF1 function with a positive predictive value of 95%. Experimental studies have shown that this missense change affects RAF1 function (PMID: 20679480). This variant disrupts the p.Pro261 amino acid residue in RAF1. Other variant(s) that disrupt this residue have been determined to be pathogenic (PMID: 17603482, 20052757, 21784453, 22465605, 23885229, 29084544). This suggests that this residue is clinically significant, and that variants that disrupt this residue are likely to be disease-causing. For these reasons, this variant has been classified as Pathogenic.

Ambry Genetics
Classification: Pathogenic for Cardiovascular phenotype. Last evaluated: 2023-10-03. Review status: criteria provided, single submitter. Criteria: Ambry Variant Classification Scheme 2023. Collection method: clinical testing. Allele origin: germline.
Comment: The p.P261L pathogenic mutation (also known as c.782C>T), located in coding exon 6 of the RAF1 gene, results from a C to T substitution at nucleotide position 782. The proline at codon 261 is replaced by leucine, an amino acid with similar properties. This alteration has been reported as de novo in a subject with features of Noonan syndrome (Pandit B et al. Nat Genet, 2007 Aug;39:1007-12). This alteration has also been reported in subjects with features of Noonan syndrome and overlapping disorders (Kobayashi T et al. Hum Mutat, 2010 Mar;31:284-94; Justino A et al. Eur J Hum Genet, 2015 Mar;23:347-53; Lazzaro G et al. Mol Genet Genomic Med, 2020 Apr;8:e1069). Two other alterations at the same codon, p.P261A (c.781C>G) and p.P261S (c.781C>T), have been described in association with Noonan syndrome (Razzaque MA, Nat. Genet. 2007 Aug; 39(8):1013-7; Longoni M et al. Am. J. Med. Genet. A, 2010 Sep;152A:2176-84). This variant is considered to be rare based on population cohorts in the Genome Aggregation Database (gnomAD). This amino acid position is highly conserved in available vertebrate species. In addition, this alteration is predicted to be deleterious by in silico analysis. Based on the supporting evidence, this alteration is interpreted as a disease-causing mutation.

Laboratory for Molecular Medicine, Mass General Brigham Personalized Medicine
Classification: Pathogenic for Noonan syndrome. Last evaluated: 2013-11-19. Review status: criteria provided, single submitter. Criteria: LMM Criteria. Collection method: clinical testing. Allele origin: germline. Inheritance: Autosomal dominant inheritance. Observed: 2 variant alleles.
Comment: The Pro261Leu variant in RAF1 has been reported as a de novo variant in one indi vidual with clinical features of Noonan syndrome (Pandit 2007). Recurrent missen se variants at this amino acid position (Pro261Leu, Pro261Ser, Pro261Thr, Pro261 Ala, and Pro261Arg) have been identified by our laboratory in individuals with c linical features associated with Noonan syndrome. Of note, individuals with path ogenic variants in exon 7 or 17 in RAF1 have a high incidence of hypertrophic ca rdiomyopathy (80-95%, Razzaque 2007, Pandit 2007). In summary, this variant meet s our criteria to be classified as pathogenic based on its de novo occurrence.

Genomics England Pilot Project, Genomics England
Classification: Likely pathogenic for Dilated cardiomyopathy 1NN. Review status: criteria provided, single submitter. Criteria: ACGS Guidelines, 2016. Collection method: clinical testing. Allele origin: germline. Affected: yes.

Institute of Molecular Pathology and Immunology of the University of Porto (IPATIMUP)
No classification provided. Condition: Noonan syndrome 5. Review status: no classification provided. Collection method: not provided. Allele origin: germline. Not counted in ClinVar's aggregate classification.

Literature cited by the submitters: PubMed 17603483 (cited by 3 submitters); PubMed 20679480 (cited by Labcorp Genetics (formerly Invitae), Labcorp); PubMed 17603482 (cited by Labcorp Genetics (formerly Invitae), Labcorp and Laboratory for Molecular Medicine, Mass General Brigham Personalized Medicine); PubMed 20052757 (cited by Labcorp Genetics (formerly Invitae), Labcorp and Ambry Genetics); PubMed 21784453 (cited by Labcorp Genetics (formerly Invitae), Labcorp); PubMed 22465605 (cited by Labcorp Genetics (formerly Invitae), Labcorp); PubMed 23885229 (cited by Labcorp Genetics (formerly Invitae), Labcorp); PubMed 29084544 (cited by Labcorp Genetics (formerly Invitae), Labcorp); PubMed 24896146 (cited by Ambry Genetics); PubMed 28991257 (cited by Ambry Genetics); PubMed 29907801 (cited by Ambry Genetics); PubMed 32059087 (cited by Ambry Genetics); PubMed 32368696 (cited by Ambry Genetics).